The following is an entry in ClinVar:

NM_002230.4(JUP):c.957G>A (p.Met319Ile)

Gene: JUP (junction plakoglobin; minus strand). Cytogenetic location: 17q21.2.
Variant type: single nucleotide variant.
Coding change: c.957G>A on transcript NM_002230.4 (MANE Select); coding-DNA position 957, G replaced by A.
Protein change: p.Met319Ile; replaces methionine 319 with isoleucine.
Molecular consequence: missense variant.
Genome position (GRCh38, 1-based): chr17:41,765,020, C>T on the plus strand (G>A on the coding strand, the complement: JUP is on the minus strand). VCF-style: chr17-41765020-C-T. GRCh37 (hg19) VCF-style: chr17-39921272-C-T.
Other names: c.957G>A, p.Met319Ile (NM_001352773.2, NM_001352774.2, NM_001352775.2 and 3 more transcripts); short protein forms M319I.
Identifiers: ClinVar variation 1767444 (VCV001767444.2), dbSNP rs2544133013, ClinGen allele CA399499536.

ClinVar aggregate classification (germline): Uncertain significance (1 of 4 stars; one submission).

Conditions:
Cardiovascular phenotype. Identifiers: MedGen CN230736.

Allele frequency attached by ClinVar (database versions not stated): gnomAD exomes 0.00001.

Submission:

Ambry Genetics
Classification: Uncertain significance for Cardiovascular phenotype. Last evaluated: 2022-03-25. Review status: criteria provided, single submitter. Criteria: Ambry Variant Classification Scheme 2023. Collection method: clinical testing. Allele origin: germline.
Comment: The p.M319I variant (also known as c.957G>A), located in coding exon 5 of the JUP gene, results from a G to A substitution at nucleotide position 957. The methionine at codon 319 is replaced by isoleucine, an amino acid with highly similar properties. This amino acid position is conserved. In addition, this alteration is predicted to be deleterious by in silico analysis. Since supporting evidence is limited at this time, the clinical significance of this alteration remains unclear.